The following is an entry in ClinVar:

NM_178857.6(RP1L1):c.1022G>A (p.Arg341Gln)

Gene: RP1L1 (RP1 like 1). Cytogenetic location: 8p23.1.
Variant type: single nucleotide variant.
Coding change: c.1022G>A on transcript NM_178857.6 (MANE Select); coding-DNA position 1022, G replaced by A.
Protein change: p.Arg341Gln; replaces arginine 341 with glutamine.
Molecular consequence: missense variant.
Genome position (GRCh38, 1-based): chr8:10,613,076, C>T on the plus strand (G>A on the coding strand, the complement: RP1L1 is on the minus strand). VCF-style: chr8-10613076-C-T. GRCh37 (hg19) VCF-style: chr8-10470586-C-T.
Other names: short protein forms R341Q.
Identifiers: ClinVar variation 2582089 (VCV002582089.2), dbSNP rs772135394, ClinGen allele CA4625347.

ClinVar aggregate classification (germline): Uncertain significance. Review status: criteria provided, multiple submitters, no conflicts (2 of 4 stars). 2 submissions from 2 submitters: Uncertain significance (2). Last evaluated 2025-01-09.

Conditions:
Inborn genetic diseases. Identifiers: MedGen C0950123, MeSH D030342.

Allele frequency attached by ClinVar (database versions not stated): ExAC 0.00002; TOPMed 0.00006; gnomAD 0.00010.
gnomAD v4.1: 58 of 1,613,654 alleles (0.0036%); highest among the groups gnomAD compares: African/African-American, 0.012%; no homozygotes.

Submissions (2):

Ambry Genetics
Classification: Uncertain significance for Inborn genetic diseases. Last evaluated: 2025-01-09. Review status: criteria provided, single submitter. Criteria: Ambry Variant Classification Scheme 2023. Collection method: clinical testing. Allele origin: germline.

GeneDx
Classification: Uncertain significance. Last evaluated: 2023-03-27. Review status: criteria provided, single submitter. Criteria: GeneDx Variant Classification Process June 2021. Collection method: clinical testing. Allele origin: germline. Affected: yes.
Comment: In silico analysis supports that this missense variant does not alter protein structure/function; Has not been previously published as pathogenic or benign to our knowledge